The following is an entry in ClinVar:

NM_000483.5(APOC2):c.122A>C (p.Lys41Thr)

Genes: APOC2 (apolipoprotein C2; plus strand), APOC4-APOC2 (APOC4-APOC2 readthrough (NMD candidate); plus strand). Cytogenetic location: 19q13.32.
Variant type: single nucleotide variant.
Coding change: c.122A>C on transcript NM_000483.5 (MANE Select); coding-DNA position 122, A replaced by C.
Protein change: p.Lys41Thr; replaces lysine 41 with threonine.
Molecular consequence: missense variant. On other transcripts: non-coding transcript variant (1).
Genome position (GRCh38, 1-based): chr19:44,948,767, A>C. VCF-style: chr19-44948767-A-C. GRCh37 (hg19) VCF-style: chr19-45452024-A-C.
Other names: APOC2, LYS19THR; short protein forms K41T.
Identifiers: ClinVar variation 2581 (VCV000002581.50), dbSNP rs120074114, ClinGen allele CA115621.

ClinVar aggregate classification (germline): Conflicting classifications of pathogenicity. Review status: criteria provided, conflicting classifications (1 of 4 stars). 16 submissions from 16 submitters: Likely pathogenic (1); Uncertain significance (10); Benign (1); Likely benign (1). 3 of the submissions do not count toward it. Last evaluated 2025-07-09.

Conditions:
APOC2-related disorder. Also called: APOC2-related condition.
Cardiovascular phenotype. Identifiers: MedGen CN230736.
Familial apolipoprotein C-II deficiency. Also called: APOC2 DEFICIENCY; C-II ANAPOLIPOPROTEINEMIA; HYPERLIPOPROTEINEMIA, TYPE IB. Identifiers: Orphanet 309020, Orphanet 444490, MedGen C1720779, MONDO:0008810, OMIM 207750.
Apolipoprotein c-ii variant.

Allele frequency attached by ClinVar (database versions not stated): 1000 Genomes Project 30x 0.00031; 1000 Genomes Project 0.00040; gnomAD 0.00069 and 0.00071; gnomAD exomes 0.00069 and 0.00089; TOPMed 0.00086; ExAC 0.00087.
gnomAD v4.1: 1,389 of 1,614,184 alleles (0.086%); highest among the groups gnomAD compares: Middle Eastern, 0.15%; 4 homozygotes.

Submissions (16):

Ambry Genetics
Classification: Likely benign for Cardiovascular phenotype. Last evaluated: 2025-07-09. Review status: criteria provided, single submitter. Criteria: Ambry Variant Classification Scheme 2023. Collection method: clinical testing. Allele origin: germline.

PreventionGenetics, part of Exact Sciences
Classification: Uncertain significance for APOC2-related condition. Last evaluated: 2025-06-30. Review status: criteria provided, single submitter. Criteria: ACMG Guidelines, 2015. Collection method: clinical testing. Allele origin: germline.
Comment: The APOC2 c.122A>C variant is predicted to result in the amino acid substitution p.Lys41Thr. This variant has been reported in individuals with apolipoprotein C2 deficiency/amyloidosis/hyperlipidemia (reported as p.Lys19Thr, Hegele et al. 1991. PubMed ID: 1782747; reported as p.K19T in Figure, Johansen et al. 2011. PubMed ID: 22135386; Sethi et al. 2018. PubMed ID: 30197986; Table S6, Marmontel. 2020. PubMed ID: 33111339). This variant is reported in 0.12% of alleles in individuals of European (Non-Finnish) descent in gnomAD. In ClinVar, this variant is interpreted as benign/uncertain/likely pathogenic/pathogenic. At this time, the clinical significance of this variant is uncertain due to the absence of conclusive functional and genetic evidence.

Molecular Diagnostic Laboratory for Inherited Cardiovascular Disease, Montreal Heart Institute
Classification: Uncertain significance for Cardiovascular phenotype. Last evaluated: 2025-04-09. Review status: criteria provided, single submitter. Criteria: ACMG Guidelines, 2015. Collection method: clinical testing. Allele origin: germline. Affected: yes.

Laboratory of Genetics, Children's Clinical University Hospital Latvia
Classification: Uncertain significance. Last evaluated: 2025-02-16. Review status: criteria provided, single submitter. Criteria: ACMG Guidelines, 2015. Collection method: clinical testing. Allele origin: germline. Affected: yes.

Blueprint Genetics
Classification: Likely pathogenic for APOC2-related disorders. Last evaluated: 2024-11-19. Review status: criteria provided, single submitter. Criteria: ACMG Guidelines, 2015. Collection method: clinical testing. Allele origin: germline. Affected: yes. Observed: 5 variant alleles.

GeneDx
Classification: Uncertain significance. Last evaluated: 2024-08-23. Review status: criteria provided, single submitter. Criteria: GeneDx Variant Classification Process June 2021. Collection method: clinical testing. Allele origin: germline. Affected: yes.
Comment: Observed in the heterozygous state in individuals with renal amyloidosis, dyslipidemia, and acute myocardial infaraction (AMI) in published literature (PMID: 33111339, 30197986, 30686043, 36555767, 36325899); In silico analysis indicates that this missense variant does not alter protein structure/function; This variant is associated with the following publications: (PMID: 22135386, 1782747, 30686043, 34426522, 31589614, 33111339, 30197986, 36555767, 33395107, 36325899)

Fulgent Genetics
Classification: Uncertain significance for Familial apolipoprotein C-II deficiency. Last evaluated: 2024-02-13. Review status: criteria provided, single submitter. Criteria: ACMG Guidelines, 2015. Collection method: clinical testing. Allele origin: germline.

Mayo Clinic Laboratories, Mayo Clinic
Classification: Uncertain significance. Last evaluated: 2024-02-09. Review status: criteria provided, single submitter. Criteria: ACMG Guidelines, 2015. Collection method: clinical testing. Allele origin: germline. Observed: 1 variant allele.
Comment: BS1

CeGaT Center for Human Genetics Tuebingen
Classification: Uncertain significance. Last evaluated: 2023-09-01. Review status: criteria provided, single submitter. Criteria: CeGaT Center For Human Genetics Tuebingen Variant Classification Criteria Version 2. Collection method: clinical testing. Allele origin: germline. Affected: yes. Observed: 1 variant allele.
Comment: APOC2: PM2:Supporting, BP4

Labcorp Genetics (formerly Invitae), Labcorp
Classification: Uncertain significance. Last evaluated: 2022-08-21. Review status: criteria provided, single submitter. Criteria: Invitae Variant Classification Sherloc (09022015). Collection method: clinical testing. Allele origin: germline.
Comment: This sequence change replaces lysine, which is basic and polar, with threonine, which is neutral and polar, at codon 41 of the APOC2 protein (p.Lys41Thr). This variant is present in population databases (rs120074114, gnomAD 0.1%), and has an allele count higher than expected for a pathogenic variant. This missense change has been observed in individual(s) with clinical features of APOC2-related conditions (PMID: 1782747, 22135386, 24788417, 33111339). ClinVar contains an entry for this variant (Variation ID: 2581). Algorithms developed to predict the effect of missense changes on protein structure and function are either unavailable or do not agree on the potential impact of this missense change (SIFT: "Deleterious"; PolyPhen-2: "Benign"; Align-GVGD: "Class C0"). In summary, the available evidence is currently insufficient to determine the role of this variant in disease. Therefore, it has been classified as a Variant of Uncertain Significance.

New York Genome Center
Classification: Uncertain significance for Familial apolipoprotein C-II deficiency. Last evaluated: 2022-03-31. Review status: criteria provided, single submitter. Criteria: NYGC Assertion Criteria 2020. Collection method: clinical testing. Allele origin: germline. Observed: 1 variant allele, 2 heterozygotes. Clinical features observed: Type 2 diabetes mellitus (HP:0005978), Neuroendocrine neoplasm (HP:0100634), Hyperlipidemia (HP:0003077), Hepatic steatosis (HP:0001397).

CENTOGENE GmbH and LLC - Guiding Precision Medicine
Classification: Uncertain significance for Familial apolipoprotein C-II deficiency. Last evaluated: 2019-02-01. Review status: criteria provided, single submitter. Criteria: ACMG Guidelines, 2015. Collection method: clinical testing. Allele origin: unknown.

Illumina Laboratory Services, Illumina
Classification: Benign for Familial apolipoprotein C-II deficiency. Last evaluated: 2017-04-27. Review status: criteria provided, single submitter. Criteria: ICSL Variant Classification Criteria 13 December 2019. Collection method: clinical testing. Allele origin: germline.
Comment: This variant was observed as part of a predisposition screen in an ostensibly healthy population. A literature search was performed for the gene, cDNA change, and amino acid change (where applicable). Publications were found based on this search. The evidence from the literature, in combination with allele frequency data from public databases where available, was sufficient to rule this variant out of causing disease. Therefore, this variant is classified as benign.

OMIM
Classification: Pathogenic for APOLIPOPROTEIN C-II VARIANT. Last evaluated: 1991-03-01. Review status: no assertion criteria provided. Collection method: literature only. Allele origin: germline. Not counted in ClinVar's aggregate classification.

Clinical Genetics, Academic Medical Center
Classification: Likely pathogenic. Review status: no assertion criteria provided. Collection method: clinical testing. Allele origin: germline. Affected: yes. Study: VKGL Data-share Consensus. Not counted in ClinVar's aggregate classification.

Diagnostic Laboratory, Department of Genetics, University Medical Center Groningen
Classification: Pathogenic. Review status: no assertion criteria provided. Collection method: clinical testing. Allele origin: germline. Affected: yes. Study: VKGL Data-share Consensus. Not counted in ClinVar's aggregate classification.

Literature cited by the submitters: PubMed 1628605 (cited by Ambry Genetics and Illumina Laboratory Services, Illumina); PubMed 1782747 (cited by 5 submitters); PubMed 22135386 (cited by 3 submitters); PubMed 24788417 (cited by 3 submitters); PubMed 24886863 (cited by Ambry Genetics); PubMed 25910212 (cited by Ambry Genetics); PubMed 29100061 (cited by Ambry Genetics and Mayo Clinic Laboratories, Mayo Clinic); PubMed 30197986 (cited by Ambry Genetics and Mayo Clinic Laboratories, Mayo Clinic); PubMed 30686043 (cited by Ambry Genetics and Mayo Clinic Laboratories, Mayo Clinic); PubMed 32861330 (cited by Ambry Genetics and Mayo Clinic Laboratories, Mayo Clinic); PubMed 33111339 (cited by 3 submitters); PubMed 7923858 (cited by 3 submitters); PubMed 31589614 (cited by Mayo Clinic Laboratories, Mayo Clinic); PubMed 36325899 (cited by Mayo Clinic Laboratories, Mayo Clinic); PubMed 36555767 (cited by Mayo Clinic Laboratories, Mayo Clinic).